The following is an entry in ClinVar:

NM_001267550.2(TTN):c.81082G>C (p.Ala27028Pro)

Genes: TTN (titin; minus strand), TTN-AS1 (TTN antisense RNA 1; plus strand). Cytogenetic location: 2q31.2.
Variant type: single nucleotide variant.
Coding change: c.81082G>C on transcript NM_001267550.2 (MANE Select); coding-DNA position 81082, G replaced by C.
Protein change: p.Ala27028Pro; replaces alanine 27028 with proline.
Molecular consequence: missense variant.
Genome position (GRCh38, 1-based): chr2:178,565,050, C>G on the plus strand (G>C on the coding strand, the complement: TTN is on the minus strand). VCF-style: chr2-178565050-C-G. GRCh37 (hg19) VCF-style: chr2-179429777-C-G.
Other names: c.76159G>C, p.Ala25387Pro (NM_001256850.1); c.53887G>C, p.Ala17963Pro (NM_003319.4); c.73378G>C, p.Ala24460Pro (NM_133378.4); c.54262G>C, p.Ala18088Pro (NM_133432.3); c.54463G>C, p.Ala18155Pro (NM_133437.4); short protein forms A17963P, A18088P, A18155P, A24460P, A25387P, A27028P.
Identifiers: ClinVar variation 3390769 (VCV003390769.1).

ClinVar aggregate classification (germline): Uncertain significance (1 of 4 stars; one submission).

gnomAD v4.1: 4 of 1,613,642 alleles (0.00025%); highest among the groups gnomAD compares: Non-Finnish European, 0.00034%; no homozygotes.

Submission:

GeneDx
Classification: Uncertain significance. Last evaluated: 2024-06-12. Review status: criteria provided, single submitter. Criteria: GeneDx Variant Classification Process June 2021. Collection method: clinical testing. Allele origin: germline. Affected: yes.
Comment: Not observed at significant frequency in large population cohorts (gnomAD); Missense variant in a gene in which most reported pathogenic variants are truncating/loss of function; Has not been previously published as pathogenic or benign to our knowledge